The following is an entry in ClinVar:

ClinVar aggregate classification (germline): Uncertain significance (1 of 4 stars; one submission).

Conditions:
Intellectual developmental disorder with autism and dysmorphic facies (IDDADF). Identifiers: MedGen C5774206, MONDO:0859281, OMIM 620021.

gnomAD v4.1: 1 of 1,614,204 alleles (0.000062%); highest among the groups gnomAD compares: Non-Finnish European, 0.000085%; no homozygotes.

Submission:

OLLIN Analises Genomicas, OLLIN
Classification: Uncertain significance for Intellectual developmental disorder with autism and dysmorphic facies. Last evaluated: 2026-08-06. Review status: criteria provided, single submitter. Criteria: ACMG Guidelines 2015 PMID 25741868. Collection method: clinical testing. Allele origin: germline.
Comment: This missense variant, located in exon 5 (of 5), has been observed in gnomAD with an allele frequency of 0.000062%, but has not been reported in ClinVar or identified in the literature. In silico analysis is inconclusive regarding the impact of this variant. According to the currently available evidence, this variant has been classified as uncertain significance (PM2_P).

NM_173791.5(PDZD8):c.2857A>C (p.Lys953Gln)

Gene: PDZD8 (PDZ domain containing 8; minus strand). Cytogenetic location: 10q25.3.
Variant type: single nucleotide variant.
Coding change: c.2857A>C on transcript NM_173791.5 (MANE Select); coding-DNA position 2857, A replaced by C.
Protein change: p.Lys953Gln; replaces lysine 953 with glutamine.
Molecular consequence: missense variant.
Genome position (GRCh38, 1-based): chr10:117,283,876, T>G on the plus strand (A>C on the coding strand, the complement: PDZD8 is on the minus strand). VCF-style: chr10-117283876-T-G. GRCh37 (hg19) VCF-style: chr10-119043387-T-G.
Other names: short protein forms K953Q.
Identifiers: ClinVar variation 5003185 (VCV005003185.1).